The following is an entry in ClinVar:

NM_000443.4(ABCB4):c.1230+1G>A

Gene: ABCB4 (ATP binding cassette subfamily B member 4; minus strand). Cytogenetic location: 7q21.12.
Variant type: single nucleotide variant.
Coding change: c.1230+1G>A on transcript NM_000443.4 (MANE Select); the canonical splice donor site of the intron after coding-DNA position 1230, G replaced by A.
Molecular consequence: splice donor variant.
Genome position (GRCh38, 1-based): chr7:87,443,662, C>T on the plus strand (G>A on the coding strand, the complement: ABCB4 is on the minus strand). VCF-style: chr7-87443662-C-T. GRCh37 (hg19) VCF-style: chr7-87072978-C-T.
Other names: c.1230+1G>A (NM_018850.3, NM_018849.3).
Identifiers: ClinVar variation 4846332 (VCV004846332.1).

ClinVar aggregate classification (germline): Pathogenic (1 of 4 stars; one submission).

Conditions:
Familial intrahepatic cholestasis. Identifiers: Orphanet 284385, MedGen CN296401, MONDO:0017290.

Submission:

Genomenon, Inc
Classification: Pathogenic for Familial intrahepatic cholestasis. Last evaluated: 2026-04-14. Review status: criteria provided, single submitter. Criteria: Genomenon Sequence Variant Interpretation Standards - Updated. Collection method: curation. Allele origin: germline. Affected: yes.
Comment: ABCB4 c.1230+1G>A is a canonical splice variant affecting the donor splice site of intron 11. It is predicted to affect mRNA splicing, leading to a deleterious effect on the ABCB4 protein. This variant has been observed in at least one proband with an ABCB4-related disorder (PMID:38610052). It is absent or not present at a significant frequency in gnomAD. In conclusion, we classify ABCB4 c.1230+1G>A as a pathogenic variant.

Literature cited by the submitters: PubMed 38610052.